The following is an entry in ClinVar:

NM_001129.5(AEBP1):c.1018+1G>A

Gene: AEBP1 (AE binding protein 1; plus strand). Cytogenetic location: 7p13.
Variant type: single nucleotide variant.
Coding change: c.1018+1G>A on transcript NM_001129.5 (MANE Select); the canonical splice donor site of the intron after coding-DNA position 1018, G replaced by A.
Molecular consequence: splice donor variant.
Genome position (GRCh38, 1-based): chr7:44,108,977, G>A. VCF-style: chr7-44108977-G-A. GRCh37 (hg19) VCF-style: chr7-44148576-G-A.
Other names: c.1018+1G>A (NM_001129.4).
Identifiers: ClinVar variation 3004054 (VCV003004054.6), dbSNP rs112082668, ClinGen allele CA157880035.

ClinVar aggregate classification (germline): Likely pathogenic. Review status: criteria provided, multiple submitters, no conflicts (2 of 4 stars). 3 submissions from 3 submitters: Likely pathogenic (2). 1 of the submissions does not count toward it. Last evaluated 2025-11-25.

Conditions:
Ehlers-Danlos syndrome, classic-like, 2. Identifiers: Orphanet 536532, MedGen C4693870, MONDO:0054813, OMIM 618000.
AEBP1-related disorder. Also called: AEBP1-related condition.

Allele frequency attached by ClinVar (database versions not stated): gnomAD 0.00001; TOPMed 0.00001.

Submissions (3):

Women's Health and Genetics/Laboratory Corporation of America, LabCorp
Classification: Likely pathogenic for Ehlers-Danlos syndrome, classic-like, 2. Last evaluated: 2025-11-25. Review status: criteria provided, single submitter. Criteria: LabCorp Variant Classification Summary - May 2015. Collection method: clinical testing. Allele origin: germline.
Comment: Variant summary: AEBP1 c.1018+1G>A is located in a canonical splice-site and is predicted to affect mRNA splicing resulting in a significantly altered protein due to either exon skipping, shortening, or inclusion of intronic material. Variants that disrupt the consensus splice site are a relatively common cause of aberrant splicing and loss of AEBP1 function. Several computational tools predict a significant impact on normal splicing: Four predict the variant abolishes a canonical 5' splicing donor site. However, these predictions have yet to be confirmed by functional studies. The frequency data for this variant in gnomAD is considered unreliable, as metrics indicate poor data quality at this position. To our knowledge, no occurrence of c.1018+1G>A in individuals affected with AEBP1-related conditions and no experimental evidence demonstrating its impact on protein function have been reported. ClinVar contains an entry for this variant (Variation ID: 3004054). Based on the evidence outlined above, the variant was classified as likely pathogenic.

Labcorp Genetics (formerly Invitae), Labcorp
Classification: Likely pathogenic. Last evaluated: 2023-10-17. Review status: criteria provided, single submitter. Criteria: Invitae Variant Classification Sherloc (09022015). Collection method: clinical testing. Allele origin: germline.
Comment: This sequence change affects a donor splice site in intron 7 of the AEBP1 gene. It is expected to disrupt RNA splicing. Variants that disrupt the donor or acceptor splice site typically lead to a loss of protein function (PMID: 16199547), and loss-of-function variants in AEBP1 are known to be pathogenic (PMID: 29606302). This variant is not present in population databases (gnomAD no frequency). This variant has not been reported in the literature in individuals affected with AEBP1-related conditions. Algorithms developed to predict the effect of sequence changes on RNA splicing suggest that this variant may disrupt the consensus splice site. In summary, the currently available evidence indicates that the variant is pathogenic, but additional data are needed to prove that conclusively. Therefore, this variant has been classified as Likely Pathogenic.

PreventionGenetics, part of Exact Sciences
Classification: Likely pathogenic for AEBP1-related condition. Last evaluated: 2023-11-20. Review status: no assertion criteria provided. Collection method: clinical testing. Allele origin: germline. Not counted in ClinVar's aggregate classification.
Comment: The AEBP1 c.1018+1G>A variant is predicted to disrupt the GT donor site and interfere with normal splicing. To our knowledge, this variant has not been reported in the literature or in a large population database, indicating this variant is rare. Variants that disrupt the consensus splice donor site in AEBP1 are expected to be pathogenic. This variant is interpreted as likely pathogenic.

Literature cited by the submitters: PubMed 16199547 (cited by Labcorp Genetics (formerly Invitae), Labcorp); PubMed 29606302 (cited by Labcorp Genetics (formerly Invitae), Labcorp).